The following is an entry in ClinVar:

ClinVar aggregate classification (germline): Conflicting classifications of pathogenicity. Review status: criteria provided, conflicting classifications (1 of 4 stars). 2 submissions from 2 submitters: Uncertain significance (1); Likely benign (1). Last evaluated 2026-01-20.

Conditions:
FANCB-related disorder. Also called: FANCB-related condition.
Fanconi anemia (FA). Also called: Fanconi's anemia. Identifiers: Orphanet 84, MedGen C0015625, MeSH D005199, MONDO:0019391.

Allele frequency attached by ClinVar (database versions not stated): TOPMed 0.00001; gnomAD 0.00003; ExAC 0.00005; ESP Exome Variant Server 0.00019.
gnomAD v4.1: 42 of 1,209,145 alleles (0.0035%); highest among the groups gnomAD compares: Non-Finnish European, 0.0044%; no homozygotes.

Submissions (2):

Labcorp Genetics (formerly Invitae), Labcorp
Classification: Likely benign for Fanconi anemia. Last evaluated: 2026-01-20. Review status: criteria provided, single submitter. Criteria: Invitae Variant Classification Sherloc (09022015). Collection method: clinical testing. Allele origin: germline.

PreventionGenetics, part of Exact Sciences
Classification: Uncertain significance for FANCB-related condition. Last evaluated: 2025-09-07. Review status: criteria provided, single submitter. Criteria: ACMG Guidelines, 2015. Collection method: clinical testing. Allele origin: germline.
Comment: The FANCB c.2395G>A variant is predicted to result in the amino acid substitution p.Ala799Thr. To our knowledge, this variant has not been reported in the literature. This variant is reported in 0.010% of alleles in individuals of South Asian descent in gnomAD. Although we suspect that this variant may be benign, at this time, the clinical significance of this variant is uncertain due to the absence of conclusive functional and genetic evidence.

NM_001018113.3(FANCB):c.2395G>A (p.Ala799Thr)

Gene: FANCB (FA complementation group B; minus strand). Cytogenetic location: Xp22.2.
Variant type: single nucleotide variant.
Coding change: c.2395G>A on transcript NM_001018113.3 (MANE Select); coding-DNA position 2395, G replaced by A.
Protein change: p.Ala799Thr; replaces alanine 799 with threonine.
Molecular consequence: missense variant.
Genome position (GRCh38, 1-based): chrX:14,843,752, C>T on the plus strand (G>A on the coding strand, the complement: FANCB is on the minus strand). VCF-style: chrX-14843752-C-T. GRCh37 (hg19) VCF-style: chrX-14861874-C-T.
Other names: c.2395G>A, p.Ala799Thr (NM_001324162.2, NM_001410764.1, NM_152633.4); c.2395G>A (NM_001018113.2); short protein forms A799T.
Identifiers: ClinVar variation 2911613 (VCV002911613.4), dbSNP rs368933083, ClinGen allele CA10352918.